The following is an entry in ClinVar:

ClinVar aggregate classification (germline): Likely pathogenic (1 of 4 stars; one submission).

Conditions:
Elliptocytosis 3 (EL3). Identifiers: MedGen C1866810, MONDO:0054780, OMIM 617948.
Hereditary spherocytosis type 2. Also called: SPHEROCYTOSIS, TYPE 2, AUTOSOMAL DOMINANT. Identifiers: Orphanet 822, MedGen C2674219, MONDO:0000913, OMIM 616649.

Submission:

Intergen Genetics and Rare Diseases Diagnosis Center
Classification: Likely pathogenic for Elliptocytosis 3; Hereditary spherocytosis type 2. Last evaluated: 2025-10-10. Review status: criteria provided, single submitter. Criteria: ACMG Guidelines, 2015. Collection method: clinical testing. Allele origin: germline. Inheritance: Autosomal dominant inheritance. Affected: yes. Observed: 1 heterozygote.
Comment: The variant identified in the SPTB gene (NM_001355436.2): c.2333dup (p.Arg779AlafsTer83) is a frameshift change predicted to introduce a premature termination codon, resulting in either truncated protein production or nonsense-mediated mRNA decay. Loss-of-function is a well-established disease mechanism for SPTB-related hereditary spherocytosis and other hereditary hemolytic anemias. This phenotype is consistent with disorders associated with pathogenic variants in SPTB. Based on PVS1 + PM2, this variant meets criteria for a pathogenic loss-of-function change under ACMG/AMP guidelines.

Literature cited by the submitters: PubMed 32436265; PubMed 36902777.

NM_001355436.2(SPTB):c.2333dup (p.Arg779fs)

Gene: SPTB (spectrin beta, erythrocytic; minus strand). Cytogenetic location: 14q23.3.
Variant type: Duplication.
Coding change: c.2333dup on transcript NM_001355436.2 (MANE Select); coding-DNA position 2333, one base duplicated (C; older notation c.2333dupC).
Protein change: p.Arg779fs; shifts the reading frame from arginine 779.
Molecular consequence: frameshift variant.
Genome position (GRCh38, 1-based): chr14:64,793,330, G duplicated on the plus strand (C on the coding strand, the reverse complement: SPTB is on the minus strand). VCF-style (leftmost placement, unchanged base first): chr14-64793329-C-CG. GRCh37 (hg19) VCF-style: chr14-65260047-C-CG.
Other names: c.2333dup, p.Arg779fs (NM_001024858.4, NM_001355437.2); short protein forms R779fs.
Identifiers: ClinVar variation 4533219 (VCV004533219.1).